The following is an entry in ClinVar:

NM_003738.5(PTCH2):c.2162C>T (p.Thr721Ile)

Gene: PTCH2 (patched 2; minus strand). Cytogenetic location: 1p34.1.
Variant type: single nucleotide variant.
Coding change: c.2162C>T on transcript NM_003738.5 (MANE Select); coding-DNA position 2162, C replaced by T.
Protein change: p.Thr721Ile; replaces threonine 721 with isoleucine.
Molecular consequence: missense variant.
Genome position (GRCh38, 1-based): chr1:44,827,611, G>A on the plus strand (C>T on the coding strand, the complement: PTCH2 is on the minus strand). VCF-style: chr1-44827611-G-A. GRCh37 (hg19) VCF-style: chr1-45293283-G-A.
Other names: c.2162C>T, p.Thr721Ile (NM_001166292.2); short protein forms T721I.
Identifiers: ClinVar variation 969114 (VCV000969114.10), dbSNP rs1653221535, ClinGen allele CA340096663.
Genomic context (GRCh38, chr1:44,827,611, plus strand): 5'-AGGGCCACCTCGTACAGGGAGAAGTACCTGAGCTGGGCGCTCAGGAAGGCATGCTCCTTG[G>A]TGCCCCGAGGCACCACATCCGTCAGGGCCAGGCCGTCTTGCACCAAGGTGGCTCCGTAGA-3'
Protein context (NP_003729.3, residues 711-731): LALTDVVPRG[Thr721Ile]KEHAFLSAQL

ClinVar aggregate classification (germline): Uncertain significance (1 of 4 stars; one submission).

Conditions:
Gorlin syndrome. Also called: Nevoid Basal Cell Carcinoma Syndrome; Basal cell nevus syndrome. Identifiers: Orphanet 377, MedGen C0004779, MONDO:0007187.

Allele frequency attached by ClinVar (database versions not stated): gnomAD exomes below 0.00001.
gnomAD v4.1: 3 of 1,613,874 alleles (0.00019%); highest among the groups gnomAD compares: Admixed American, 0.0033%; no homozygotes.

Submission:

Labcorp Genetics (formerly Invitae), Labcorp
Classification: Uncertain significance for Gorlin syndrome. Last evaluated: 2019-10-14. Review status: criteria provided, single submitter. Criteria: Invitae Variant Classification Sherloc (09022015). Collection method: clinical testing. Allele origin: germline.
Comment: In summary, the available evidence is currently insufficient to determine the role of this variant in disease. Therefore, it has been classified as a Variant of Uncertain Significance. Algorithms developed to predict the effect of missense changes on protein structure and function are either unavailable or do not agree on the potential impact of this missense change (SIFT: "Deleterious"; PolyPhen-2: "Benign"; Align-GVGD: "Class C0"). This variant has not been reported in the literature in individuals with PTCH2-related conditions. This variant is not present in population databases (ExAC no frequency). This sequence change replaces threonine with isoleucine at codon 721 of the PTCH2 protein (p.Thr721Ile). The threonine residue is moderately conserved and there is a moderate physicochemical difference between threonine and isoleucine.